The following is an entry in ClinVar:

ClinVar aggregate classification (germline): Likely benign (1 of 4 stars; one submission).

Submission:

Women's Health and Genetics/Laboratory Corporation of America, LabCorp
Classification: Likely benign. Last evaluated: 2025-05-16. Review status: criteria provided, single submitter. Criteria: LabCorp Variant Classification Summary - May 2015. Collection method: clinical testing. Allele origin: germline.
Comment: Variant summary: ALPK3 c.4411-29_4411-17del13 alters a conserved nucleotide located at a position not widely known to affect splicing. Consensus agreement among computation tools predict no significant impact on normal splicing. However, these predictions have yet to be confirmed by functional studies. The variant was absent in 242480 control chromosomes. The available data on variant occurrences in the general population are insufficient to allow any conclusion about variant significance. To our knowledge, no occurrence of c.4411-29_4411-17del13 in individuals affected with Cardiomyopathy and no experimental evidence demonstrating its impact on protein function have been reported. No submitters have cited clinical-significance assessments for this variant to ClinVar. Based on the evidence outlined above, the variant was classified as likely benign.

NM_020778.5(ALPK3):c.4411-29_4411-17del

Gene: ALPK3 (alpha kinase 3; plus strand). Cytogenetic location: 15q25.3.
Variant type: Deletion.
Coding change: c.4411-29_4411-17del on transcript NM_020778.5 (MANE Select); 29 bases into the intron before coding-DNA position 4411 through 17 bases into the intron before coding-DNA position 4411, 13 bases deleted (CTCACCACATTTG).
Molecular consequence: intron variant.
Genome position (GRCh38, 1-based): chr15:84,863,523-84,863,535, CTCACCACATTTG deleted; deleting any 13 consecutive bases within chr15:84,863,519-84,863,535 gives the same sequence; the c. name uses the placement nearest the transcript's 3' end. VCF-style (leftmost placement, unchanged base first): chr15-84863518-CTTTGCTCACCACA-C. GRCh37 (hg19) VCF-style: chr15-85406749-CTTTGCTCACCACA-C.
Other names: c.4411-29_4411-17del13 (NM_020778.5).
Identifiers: ClinVar variation 3902171 (VCV003902171.1).